The following is an entry in ClinVar:

ClinVar aggregate classification (germline): Uncertain significance (1 of 4 stars; one submission).

Allele frequency attached by ClinVar (database versions not stated): gnomAD exomes below 0.00001.
gnomAD v4.1: 1 of 1,210,064 alleles (0.000083%); highest among the groups gnomAD compares: Non-Finnish European, 0.00011%; no homozygotes.

Submission:

Labcorp Genetics (formerly Invitae), Labcorp
Classification: Uncertain significance. Last evaluated: 2023-08-30. Review status: criteria provided, single submitter. Criteria: Invitae Variant Classification Sherloc (09022015). Collection method: clinical testing. Allele origin: germline.
Comment: ClinVar contains an entry for this variant (Variation ID: 1720836). In summary, the available evidence is currently insufficient to determine the role of this variant in disease. Therefore, it has been classified as a Variant of Uncertain Significance. An algorithm developed to predict the effect of missense changes on protein structure and function (PolyPhen-2) suggests that this variant is likely to be disruptive. This variant has not been reported in the literature in individuals affected with ZC4H2-related conditions. This variant is not present in population databases (gnomAD no frequency). This sequence change replaces alanine, which is neutral and non-polar, with threonine, which is neutral and polar, at codon 71 of the ZC4H2 protein (p.Ala71Thr).

NM_018684.4(ZC4H2):c.211G>A (p.Ala71Thr)

Gene: ZC4H2 (zinc finger C4H2-type containing; minus strand). Cytogenetic location: Xq11.2.
Variant type: single nucleotide variant.
Coding change: c.211G>A on transcript NM_018684.4 (MANE Select); coding-DNA position 211, G replaced by A.
Protein change: p.Ala71Thr; replaces alanine 71 with threonine.
Molecular consequence: missense variant. On other transcripts: non-coding transcript variant (1).
Genome position (GRCh38, 1-based): chrX:64,921,831, C>T on the plus strand (G>A on the coding strand, the complement: ZC4H2 is on the minus strand). VCF-style: chrX-64921831-C-T. GRCh37 (hg19) VCF-style: chrX-64141711-C-T.
Other names: c.142G>A, p.Ala48Thr (NM_001178032.3, NM_001243804.2); c.211G>A, p.Ala71Thr (NM_001178033.3); short protein forms A48T, A71T.
Identifiers: ClinVar variation 1720836 (VCV001720836.5), dbSNP rs1929208826, ClinGen allele CA413412124.